The following is an entry in ClinVar:

NM_001680.5(FXYD2):c.*6+1G>C

Genes: FXYD2 (FXYD domain containing ion transport regulator 2; minus strand), FXYD6-FXYD2 (FXYD6-FXYD2 readthrough; minus strand). Cytogenetic location: 11q23.3.
Variant type: single nucleotide variant.
Coding change: c.*6+1G>C on transcript NM_001680.5 (MANE Select); the canonical splice donor site of the intron after 6 bases downstream of the stop codon, G replaced by C.
Molecular consequence: splice donor variant.
Genome position (GRCh38, 1-based): chr11:117,820,665, C>G on the plus strand (G>C on the coding strand, the complement: FXYD2 is on the minus strand). VCF-style: chr11-117820665-C-G. GRCh37 (hg19) VCF-style: chr11-117691380-C-G.
Other names: c.*40+1G>C (NM_001243598.4); c.*6+1G>C (NM_001204268.3, NM_021603.4).
Identifiers: ClinVar variation 3032041 (VCV003032041.2), dbSNP rs371153018, ClinGen allele CA6297738.

ClinVar aggregate classification (germline): Likely benign (0 of 4 stars; one submission).

Conditions:
FXYD2-related disorder. Also called: FXYD2-related condition.

Allele frequency attached by ClinVar (database versions not stated): gnomAD exomes 0.00001; ExAC 0.00002; gnomAD 0.00012; TOPMed 0.00012; ESP Exome Variant Server 0.00015; 1000 Genomes Project 0.00020; 1000 Genomes Project 30x 0.00031.
gnomAD v4.1: 35 of 1,613,938 alleles (0.0022%); highest among the groups gnomAD compares: African/African-American, 0.036%; 1 homozygote.

Submission:

PreventionGenetics, part of Exact Sciences
Classification: Likely benign for FXYD2-related condition. Last evaluated: 2020-08-24. Review status: no assertion criteria provided. Collection method: clinical testing. Allele origin: germline.
Comment: This variant is classified as likely benign based on ACMG/AMP sequence variant interpretation guidelines (Richards et al. 2015 PMID: 25741868, with internal and published modifications).